The following is an entry in ClinVar:

ClinVar aggregate classification (germline): Benign/Likely benign. Review status: criteria provided, multiple submitters, no conflicts (2 of 4 stars). 6 submissions from 6 submitters: Benign (3); Likely benign (3). Last evaluated 2026-01-28.

Conditions:
Inborn genetic diseases. Identifiers: MedGen C0950123, MeSH D030342.
Alpha-1-antitrypsin deficiency (A1ATD). Also called: Alpha1-Antitrypsin Deficiency; AAT deficiency; A1AT deficiency. Identifiers: Orphanet 60, MedGen C0221757, MONDO:0013282, OMIM 613490.

Allele frequency attached by ClinVar (database versions not stated): gnomAD exomes 0.00044 and 0.00133; ExAC 0.00169; 1000 Genomes Project 0.00439; gnomAD 0.00480 and 0.00522; 1000 Genomes Project 30x 0.00500; TOPMed 0.00529; ESP Exome Variant Server 0.00646.
gnomAD v4.1: 1,402 of 1,614,160 alleles (0.087%); highest among the groups gnomAD compares: African/African-American, 1.7%; 9 homozygotes.

Submissions (6):

Labcorp Genetics (formerly Invitae), Labcorp
Classification: Benign for Alpha-1-antitrypsin deficiency. Last evaluated: 2026-01-28. Review status: criteria provided, single submitter. Criteria: Invitae Variant Classification Sherloc (09022015). Collection method: clinical testing. Allele origin: germline.

Mayo Clinic Laboratories, Mayo Clinic
Classification: Likely benign. Last evaluated: 2025-10-06. Review status: criteria provided, single submitter. Criteria: ACMG Guidelines, 2015. Collection method: clinical testing. Allele origin: germline. Observed: 4 variant alleles.
Comment: BS1, BP4, BP7

Blueprint Genetics
Classification: Likely benign. Last evaluated: 2024-11-25. Review status: criteria provided, single submitter. Criteria: ACMG Guidelines, 2015. Collection method: clinical testing. Allele origin: germline.

Ambry Genetics
Classification: Likely benign for Inborn genetic diseases. Last evaluated: 2022-03-03. Review status: criteria provided, single submitter. Criteria: Ambry Variant Classification Scheme 2023. Collection method: clinical testing. Allele origin: germline.

Breakthrough Genomics
Classification: Benign. Review status: criteria provided, single submitter. Criteria: ACMG Guidelines, 2015. Collection method: not provided. Allele origin: germline. Inheritance: Autosomal recessive inheritance. Affected: yes.

PreventionGenetics, part of Exact Sciences
Classification: Benign. Review status: criteria provided, single submitter. Criteria: ACMG Guidelines, 2015. Collection method: clinical testing. Allele origin: germline.

NM_000295.5(SERPINA1):c.522C>T (p.Thr174=)

Gene: SERPINA1 (serpin family A member 1; minus strand). Cytogenetic location: 14q32.13.
Variant type: single nucleotide variant.
Coding change: c.522C>T on transcript NM_000295.5 (MANE Select); coding-DNA position 522, C replaced by T.
Protein change: p.Thr174=; no amino-acid change (threonine 174 retained).
Molecular consequence: synonymous variant.
Genome position (GRCh38, 1-based): chr14:94,382,716, G>A on the plus strand (C>T on the coding strand, the complement: SERPINA1 is on the minus strand). VCF-style: chr14-94382716-G-A. GRCh37 (hg19) VCF-style: chr14-94849053-G-A.
Other names: p.Thr174=; c.522C>T, p.Thr174= (NM_001002235.3, NM_001002236.3, NM_001127700.2 and 7 more transcripts).
Identifiers: ClinVar variation 255788 (VCV000255788.17), dbSNP rs72552402, ClinGen allele CA7327478.